The following is an entry in ClinVar:

ClinVar aggregate classification (germline): Conflicting classifications of pathogenicity. Review status: criteria provided, conflicting classifications (1 of 4 stars). 4 submissions from 4 submitters: Uncertain significance (1); Benign (1); Likely benign (2). Last evaluated 2025-03-24.

Conditions:
Hereditary cancer-predisposing syndrome. Also called: Neoplastic Syndromes, Hereditary; Tumor predisposition; Hereditary Cancer Syndrome; Hereditary neoplastic syndrome. Identifiers: Orphanet 140162, MedGen C0027672, MeSH D009386, MONDO:0015356.
BAP1-related tumor predisposition syndrome (TPDS1). Also called: Tumor susceptibility linked to germline BAP1 mutations; COMMON Syndrome; TUMOR PREDISPOSITION SYNDROME 1; BAP1 tumor predisposition syndrome. Identifiers: Orphanet 289539, MedGen C3280492, MONDO:0013692, OMIM 614327.

Allele frequency attached by ClinVar (database versions not stated): gnomAD exomes below 0.00001.
gnomAD v4.1: 4 of 1,611,666 alleles (0.00025%); highest among the groups gnomAD compares: African/African-American, 0.0013%; no homozygotes.

Submissions (4):

Labcorp Genetics (formerly Invitae), Labcorp
Classification: Likely benign for BAP1-related tumor predisposition syndrome. Last evaluated: 2025-03-24. Review status: criteria provided, single submitter. Criteria: Invitae Variant Classification Sherloc (09022015). Collection method: clinical testing. Allele origin: germline.

Myriad Genetics, Inc.
Classification: Benign for BAP1-related tumor predisposition syndrome. Last evaluated: 2024-07-15. Review status: criteria provided, single submitter. Criteria: Myriad Autosomal Dominant, Autosomal Recessive and X-Linked Classification Criteria (2023). Collection method: clinical testing. Allele origin: unknown.
Comment: This variant is considered benign. This variant is a silent/synonymous amino acid change and it is not expected to impact splicing.

Quest Diagnostics Nichols Institute San Juan Capistrano
Classification: Uncertain significance. Last evaluated: 2022-09-29. Review status: criteria provided, single submitter. Criteria: Quest Diagnostics criteria. Collection method: clinical testing. Allele origin: unknown.
Comment: This variant has not been reported in the published literature. It also has not been reported in large, multi-ethnic general populations. Analysis of this variant using software algorithms for the prediction of the effect of nucleotide changes on splicing yielded predictions that this variant does not affect BAP1 mRNA splicing . Based on the available information, we are unable to determine the clinical significance of this variant.

Ambry Genetics
Classification: Likely benign for Hereditary cancer-predisposing syndrome. Last evaluated: 2022-07-17. Review status: criteria provided, single submitter. Criteria: Ambry Variant Classification Scheme 2023. Collection method: clinical testing. Allele origin: germline.

NM_004656.4(BAP1):c.1140T>C (p.Gly380=)

Gene: BAP1 (BRCA1 associated deubiquitinase 1; minus strand). Cytogenetic location: 3p21.1.
Variant type: single nucleotide variant.
Coding change: c.1140T>C on transcript NM_004656.4 (MANE Select); coding-DNA position 1140, T replaced by C.
Protein change: p.Gly380=; no amino-acid change (glycine 380 retained).
Molecular consequence: synonymous variant.
Genome position (GRCh38, 1-based): chr3:52,404,563, A>G on the plus strand (T>C on the coding strand, the complement: BAP1 is on the minus strand). VCF-style: chr3-52404563-A-G. GRCh37 (hg19) VCF-style: chr3-52438579-A-G.
Other names: c.1086T>C, p.Gly362= (NM_001410772.1); c.1140T>C (NM_004656.3).
Identifiers: ClinVar variation 1731263 (VCV001731263.7), dbSNP rs781479762, ClinGen allele CA433774131.